The following is an entry in ClinVar:

ClinVar aggregate classification (germline): Uncertain significance (1 of 4 stars; one submission).

Conditions:
Hereditary antithrombin deficiency (AT3D). Also called: Antithrombin deficiency; Antithrombin III deficiency; Thrombophilia due to antithrombin III deficiency; Reduced antithrombin III activity. Identifiers: Orphanet 82, MedGen C0272375, MONDO:0013144, OMIM 613118, HP:0001976.

Allele frequency attached by ClinVar (database versions not stated): TOPMed 0.00001; gnomAD 0.00002; gnomAD exomes 0.00004; ExAC 0.00007; 1000 Genomes Project 30x 0.00031.

Submission:

Labcorp Genetics (formerly Invitae), Labcorp
Classification: Uncertain significance for Hereditary antithrombin deficiency. Last evaluated: 2021-09-01. Review status: criteria provided, single submitter. Criteria: Invitae Variant Classification Sherloc (09022015). Collection method: clinical testing. Allele origin: germline.
Comment: This sequence change replaces arginine with cysteine at codon 291 of the SERPINC1 protein (p.Arg291Cys). The arginine residue is moderately conserved and there is a large physicochemical difference between arginine and cysteine. This variant is present in population databases (rs764695432, ExAC 0.01%), and has an allele count higher than expected for a pathogenic variant (PMID: 28166811). This variant has not been reported in the literature in individuals affected with SERPINC1-related conditions. Algorithms developed to predict the effect of missense changes on protein structure and function (SIFT, PolyPhen-2, Align-GVGD) all suggest that this variant is likely to be tolerated. In summary, the available evidence is currently insufficient to determine the role of this variant in disease. Therefore, it has been classified as a Variant of Uncertain Significance.

Literature cited by the submitters: PubMed 28166811.

NM_000488.4(SERPINC1):c.871C>T (p.Arg291Cys)

Gene: SERPINC1 (serpin family C member 1; minus strand). Cytogenetic location: 1q25.1.
Variant type: single nucleotide variant.
Coding change: c.871C>T on transcript NM_000488.4 (MANE Select); coding-DNA position 871, C replaced by T.
Protein change: p.Arg291Cys; replaces arginine 291 with cysteine.
Molecular consequence: missense variant.
Genome position (GRCh38, 1-based): chr1:173,909,834, G>A on the plus strand (C>T on the coding strand, the complement: SERPINC1 is on the minus strand). VCF-style: chr1-173909834-G-A. GRCh37 (hg19) VCF-style: chr1-173878972-G-A.
Other names: c.727C>T, p.Arg243Cys (NM_001365052.2); short protein forms R243C, R291C.
Identifiers: ClinVar variation 1020274 (VCV001020274.2), dbSNP rs764695432, ClinGen allele CA1251324.